The following is an entry in ClinVar:

NM_000548.5(TSC2):c.2221C>T (p.Leu741Phe)

Gene: TSC2 (TSC complex subunit 2; plus strand). Cytogenetic location: 16p13.3.
Variant type: single nucleotide variant.
Coding change: c.2221C>T on transcript NM_000548.5 (MANE Select); coding-DNA position 2221, C replaced by T.
Protein change: p.Leu741Phe; replaces leucine 741 with phenylalanine.
Molecular consequence: missense variant.
Genome position (GRCh38, 1-based): chr16:2,072,849, C>T. VCF-style: chr16-2072849-C-T. GRCh37 (hg19) VCF-style: chr16-2122850-C-T.
Other names: c.2221C>T, p.Leu741Phe (NM_001077183.3, NM_001114382.3, NM_001363528.2 and 3 more transcripts); c.2110C>T, p.Leu704Phe (NM_001318827.2); c.2074C>T, p.Leu692Phe (NM_001318829.2); c.1621C>T, p.Leu541Phe (NM_001318831.2); c.2254C>T, p.Leu752Phe (NM_001318832.2); short protein forms L741F, L541F, L704F, L752F, L692F.
Identifiers: ClinVar variation 318319 (VCV000318319.19), dbSNP rs886051789, ClinGen allele CA10647143.

ClinVar aggregate classification (germline): Uncertain significance. Review status: criteria provided, multiple submitters, no conflicts (2 of 4 stars). 5 submissions from 5 submitters: Uncertain significance (5). Last evaluated 2023-06-15.

Conditions:
Hereditary cancer-predisposing syndrome. Also called: Neoplastic Syndromes, Hereditary; Hereditary neoplastic syndrome; Tumor predisposition; Hereditary Cancer Syndrome. Identifiers: Orphanet 140162, MedGen C0027672, MeSH D009386, MONDO:0015356.
Tuberous sclerosis syndrome (TSC). Also called: Tuberous Sclerosis Complex; Tuberous sclerosis. Identifiers: Orphanet 805, MedGen C0041341, MONDO:0001734.
Isolated focal cortical dysplasia type II (FCORD2). Also called: CORTICAL DYSPLASIA OF TAYLOR; Focal cortical dysplasia type II. Identifiers: Orphanet 268994, MedGen C1846385, MONDO:0011818, OMIM 607341, HP:0032051.
Tuberous sclerosis 2 (TSC2). Identifiers: Orphanet 805, MedGen C1860707, MONDO:0013199, OMIM 613254.

Submissions (5):

Baylor Genetics
Classification: Uncertain significance for Isolated focal cortical dysplasia type II. Last evaluated: 2023-06-15. Review status: criteria provided, single submitter. Criteria: ACMG Guidelines, 2015. Collection method: clinical testing. Allele origin: unknown.

Ambry Genetics
Classification: Uncertain significance for Hereditary cancer-predisposing syndrome. Last evaluated: 2022-06-04. Review status: criteria provided, single submitter. Criteria: Ambry Variant Classification Scheme 2023. Collection method: clinical testing. Allele origin: germline.
Comment: The p.L741F variant (also known as c.2221C>T) is located in coding exon 20 of the TSC2 gene. The leucine at codon 741 is replaced by phenylalanine, an amino acid with highly similar properties. This change occurs in the first base pair of coding exon 20. This amino acid position is conserved. In addition, this alteration is predicted to be deleterious by in silico analysis. Since supporting evidence is limited at this time, the clinical significance of this alteration remains unclear.

Genome-Nilou Lab
Classification: Uncertain significance for Tuberous sclerosis 2. Last evaluated: 2021-11-07. Review status: criteria provided, single submitter. Criteria: ACMG Guidelines, 2015. Collection method: clinical testing. Allele origin: germline. Affected: no.

Labcorp Genetics (formerly Invitae), Labcorp
Classification: Uncertain significance for Tuberous sclerosis 2. Last evaluated: 2019-09-03. Review status: criteria provided, single submitter. Criteria: Invitae Variant Classification Sherloc (09022015). Collection method: clinical testing. Allele origin: germline.
Comment: In summary, the available evidence is currently insufficient to determine the role of this variant in disease. Therefore, it has been classified as a Variant of Uncertain Significance. Algorithms developed to predict the effect of missense changes on protein structure and function are either unavailable or do not agree on the potential impact of this missense change (SIFT: "Tolerated"; PolyPhen-2: "Probably Damaging"; Align-GVGD: "Class C0"). This variant has not been reported in the literature in individuals with TSC2-related conditions. ClinVar contains an entry for this variant (Variation ID: 318319). This variant is not present in population databases (ExAC no frequency). This sequence change replaces leucine with phenylalanine at codon 741 of the TSC2 protein (p.Leu741Phe). The leucine residue is moderately conserved and there is a small physicochemical difference between leucine and phenylalanine.

Illumina Laboratory Services, Illumina
Classification: Uncertain significance for Tuberous sclerosis syndrome. Last evaluated: 2018-01-13. Review status: criteria provided, single submitter. Criteria: ICSL Variant Classification Criteria 13 December 2019. Collection method: clinical testing. Allele origin: germline.